The following is an entry in ClinVar:

ClinVar aggregate classification (germline): Uncertain significance. Review status: criteria provided, single submitter (1 of 4 stars). 2 submissions from 2 submitters: Uncertain significance (1). 1 of the submissions does not count toward it. Last evaluated 2025-10-12.

Conditions:
Behcet disease (BD). Also called: Behcet's syndrome; Behcet Syndrome. Identifiers: Orphanet 117, MedGen C0004943, MONDO:0007191, OMIM 109650, MeSH D001528.
Pyogenic arthritis-pyoderma gangrenosum-acne syndrome (PAPA). Also called: PAPA SYNDROME; FAMILIAL RECURRENT ARTHRITIS. Identifiers: Orphanet 69126, MedGen C1858361, MONDO:0011462, OMIM 604416.

gnomAD v4.1: 1 of 1,600,910 alleles (0.000062%); highest among the groups gnomAD compares: Admixed American, 0.0017%; no homozygotes.

Submissions (2):

Labcorp Genetics (formerly Invitae), Labcorp
Classification: Uncertain significance for Pyogenic arthritis-pyoderma gangrenosum-acne syndrome. Last evaluated: 2025-10-12. Review status: criteria provided, single submitter. Criteria: Invitae Variant Classification Sherloc (09022015). Collection method: clinical testing. Allele origin: germline.
Comment: This sequence change replaces aspartic acid, which is acidic and polar, with histidine, which is basic and polar, at codon 289 of the PSTPIP1 protein (p.Asp289His). This variant is not present in population databases (gnomAD no frequency). This missense change has been observed in individual(s) with clinical features of PAPA syndrome (PMID: 27577878, 28814775). ClinVar contains an entry for this variant (Variation ID: 280942). Invitae Evidence Modeling of protein sequence and biophysical properties (such as structural, functional, and spatial information, amino acid conservation, physicochemical variation, residue mobility, and thermodynamic stability) indicates that this missense variant is not expected to disrupt PSTPIP1 protein function with a negative predictive value of 80%. In summary, the available evidence is currently insufficient to determine the role of this variant in disease. Therefore, it has been classified as a Variant of Uncertain Significance.

Department of Immunology, Hospital Universitario Virgen del Rocio
Classification: Pathogenic for Behcet disease. Last evaluated: 2016-11-23. Review status: no assertion criteria provided. Collection method: case-control. Allele origin: germline. Affected: yes. Observed: 2 variant alleles, 2 heterozygotes. Not counted in ClinVar's aggregate classification.

Literature cited by the submitters: PubMed 27577878 (cited by Labcorp Genetics (formerly Invitae), Labcorp); PubMed 28814775 (cited by Labcorp Genetics (formerly Invitae), Labcorp).

NM_003978.5(PSTPIP1):c.865G>C (p.Asp289His)

Gene: PSTPIP1 (proline-serine-threonine phosphatase interacting protein 1; plus strand). Cytogenetic location: 15q24.3.
Variant type: single nucleotide variant.
Coding change: c.865G>C on transcript NM_003978.5 (MANE Select); coding-DNA position 865, G replaced by C.
Protein change: p.Asp289His; replaces aspartic acid 289 with histidine.
Molecular consequence: missense variant. On other transcripts: intron variant (1).
Genome position (GRCh38, 1-based): chr15:77,032,888, G>C. VCF-style: chr15-77032888-G-C. GRCh37 (hg19) VCF-style: chr15-77325229-G-C.
Other names: c.838G>C, p.Asp280His (NM_001321136.2); c.1060G>C, p.Asp354His (NM_001321137.1); c.872+460G>C (NM_001321135.2); short protein forms D289H, D280H, D354H.
Identifiers: ClinVar variation 280942 (VCV000280942.4), dbSNP rs774164456, ClinGen allele CA10603744.